The following is an entry in ClinVar:

ClinVar aggregate classification (germline): Benign. Review status: criteria provided, multiple submitters, no conflicts (2 of 4 stars). 3 submissions from 3 submitters: Benign (2). 1 of the submissions does not count toward it. Last evaluated 2026-02-03.

Conditions:
FBN3-related disorder. Also called: FBN3-related condition.

Allele frequency attached by ClinVar (database versions not stated): 1000 Genomes Project 0.02037; 1000 Genomes Project 30x 0.02171; gnomAD exomes 0.03839; TOPMed 0.03478; gnomAD 0.03731 and 0.03811; ESP Exome Variant Server 0.03956; ExAC 0.07017.
gnomAD v4.1: 82,307 of 1,584,034 alleles (5.2%); highest among the groups gnomAD compares: Non-Finnish European, 6.1%; 2,572 homozygotes.

Submissions (3):

Labcorp Genetics (formerly Invitae), Labcorp
Classification: Benign. Last evaluated: 2026-02-03. Review status: criteria provided, single submitter. Criteria: Invitae Variant Classification Sherloc (09022015). Collection method: clinical testing. Allele origin: germline.

Breakthrough Genomics
Classification: Benign. Review status: criteria provided, single submitter. Criteria: ACMG Guidelines, 2015. Collection method: not provided. Allele origin: germline. Inheritance: Unknown mechanism. Affected: yes.

PreventionGenetics, part of Exact Sciences
Classification: Benign for FBN3-related condition. Last evaluated: 2019-12-13. Review status: no assertion criteria provided. Collection method: clinical testing. Allele origin: germline. Not counted in ClinVar's aggregate classification.
Comment: This variant is classified as benign based on ACMG/AMP sequence variant interpretation guidelines (Richards et al. 2015 PMID: 25741868, with internal and published modifications).

NM_032447.5(FBN3):c.1624G>A (p.Val542Ile)

Gene: FBN3 (fibrillin 3; minus strand). Cytogenetic location: 19p13.2.
Variant type: single nucleotide variant.
Coding change: c.1624G>A on transcript NM_032447.5 (MANE Select); coding-DNA position 1624, G replaced by A.
Protein change: p.Val542Ile; replaces valine 542 with isoleucine.
Molecular consequence: missense variant.
Genome position (GRCh38, 1-based): chr19:8,133,074, C>T on the plus strand (G>A on the coding strand, the complement: FBN3 is on the minus strand). VCF-style: chr19-8133074-C-T. GRCh37 (hg19) VCF-style: chr19-8197958-C-T.
Other names: c.1624G>A, p.Val542Ile (NM_001321431.2); c.1624G>A (NM_001321431.1); short protein forms V542I.
Identifiers: ClinVar variation 1599982 (VCV001599982.11), dbSNP rs36124795, ClinGen allele CA9153230.